The following is an entry in ClinVar:

NM_153717.3(EVC):c.385-3C>T

Gene: EVC (EvC ciliary complex subunit 1; plus strand). Cytogenetic location: 4p16.2.
Variant type: single nucleotide variant.
Coding change: c.385-3C>T on transcript NM_153717.3 (MANE Select); 3 bases into the intron before coding-DNA position 385, C replaced by T.
Molecular consequence: intron variant.
Genome position (GRCh38, 1-based): chr4:5,731,422, C>T. VCF-style: chr4-5731422-C-T. GRCh37 (hg19) VCF-style: chr4-5733149-C-T.
Other names: c.385-3C>T (NM_001306090.2, NM_001306092.2).
Identifiers: ClinVar variation 1481922 (VCV001481922.4), dbSNP rs2151934859, ClinGen allele CA438204083.

ClinVar aggregate classification (germline): Uncertain significance (1 of 4 stars; one submission).

Conditions:
Ellis-van Creveld syndrome (EVC). Also called: EVC-Related Ellis-van Creveld Syndrome; EVC2-Related Ellis-van Creveld Syndrome; MESOECTODERMAL DYSPLASIA; Chondroectodermal dysplasia. Identifiers: Orphanet 289, MedGen C0013903, MONDO:0009162, OMIM 225500.
Curry-Hall syndrome (WAD). Also called: WEYERS ACRODENTAL DYSOSTOSIS. Identifiers: Orphanet 952, MedGen C0457013, MONDO:0008673, OMIM 193530.

Submission:

Labcorp Genetics (formerly Invitae), Labcorp
Classification: Uncertain significance for Curry-Hall syndrome; Ellis-van Creveld syndrome. Last evaluated: 2021-09-18. Review status: criteria provided, single submitter. Criteria: Invitae Variant Classification Sherloc (09022015). Collection method: clinical testing. Allele origin: germline.
Comment: This sequence change falls in intron 3 of the EVC gene. It does not directly change the encoded amino acid sequence of the EVC protein. It affects a nucleotide within the consensus splice site of the intron. This variant is not present in population databases (ExAC no frequency). This variant has not been reported in the literature in individuals affected with EVC-related conditions. Variants that disrupt the consensus splice site are a relatively common cause of aberrant splicing (PMID: 17576681, 9536098). Algorithms developed to predict the effect of sequence changes on RNA splicing suggest that this variant is not likely to affect RNA splicing. In summary, the available evidence is currently insufficient to determine the role of this variant in disease. Therefore, it has been classified as a Variant of Uncertain Significance.

Literature cited by the submitters: PubMed 17576681; PubMed 9536098.